The following is an entry in ClinVar:

NM_015100.4(POGZ):c.1028G>A (p.Ser343Asn)

Gene: POGZ (pogo transposable element derived with ZNF domain; minus strand). Cytogenetic location: 1q21.3.
Variant type: single nucleotide variant.
Coding change: c.1028G>A on transcript NM_015100.4 (MANE Select); coding-DNA position 1028, G replaced by A.
Protein change: p.Ser343Asn; replaces serine 343 with asparagine.
Molecular consequence: missense variant.
Genome position (GRCh38, 1-based): chr1:151,427,873, C>T on the plus strand (G>A on the coding strand, the complement: POGZ is on the minus strand). VCF-style: chr1-151427873-C-T. GRCh37 (hg19) VCF-style: chr1-151400349-C-T.
Other names: c.1001G>A, p.Ser334Asn (NM_001194937.2); c.842G>A, p.Ser281Asn (NM_001194938.2); c.1049G>A, p.Ser350Asn (NM_001410860.1); c.743G>A, p.Ser248Asn (NM_145796.4); c.869G>A, p.Ser290Asn (NM_207171.2); short protein forms S290N, S281N, S334N, S343N, S350N, S248N.
Identifiers: ClinVar variation 2470405 (VCV002470405.3), dbSNP rs201775498, ClinGen allele CA1091523.

ClinVar aggregate classification (germline): Conflicting classifications of pathogenicity. Review status: criteria provided, conflicting classifications (1 of 4 stars). 2 submissions from 2 submitters: Uncertain significance (1); Likely benign (1). Last evaluated 2023-11-14.

Conditions:
Inborn genetic diseases. Identifiers: MedGen C0950123, MeSH D030342.

Allele frequency attached by ClinVar (database versions not stated): gnomAD 0.00001; ExAC 0.00011.
gnomAD v4.1: 61 of 1,613,996 alleles (0.0038%); highest among the groups gnomAD compares: Non-Finnish European, 0.0047%; no homozygotes.

Submissions (2):

Women's Health and Genetics/Laboratory Corporation of America, LabCorp
Classification: Uncertain significance. Last evaluated: 2023-11-14. Review status: criteria provided, single submitter. Criteria: LabCorp Variant Classification Summary - May 2015. Collection method: clinical testing. Allele origin: germline.
Comment: Variant summary: POGZ c.1028G>A (p.Ser343Asn) results in a conservative amino acid change in the encoded protein sequence. Five of five in-silico tools predict a benign effect of the variant on protein function. The variant allele was found at a frequency of 6e-05 in 251130 control chromosomes (gnomAD). To our knowledge, no occurrence of c.1028G>A in individuals affected with White-Sutton Syndrome and no experimental evidence demonstrating its impact on protein function have been reported. One submitter has cited clinical-significance assessments for this variant to ClinVar after 2014 and has classified the variant as likely benign. Based on the evidence outlined above, the variant was classified as uncertain significance.

Ambry Genetics
Classification: Likely benign for Inborn genetic diseases. Last evaluated: 2023-03-02. Review status: criteria provided, single submitter. Criteria: Ambry Variant Classification Scheme 2023. Collection method: clinical testing. Allele origin: germline.